The following is an entry in ClinVar:

ClinVar aggregate classification (germline): Uncertain significance (1 of 4 stars; one submission).

Conditions:
Cardiovascular phenotype. Identifiers: MedGen CN230736.

Submission:

Ambry Genetics
Classification: Uncertain significance for Cardiovascular phenotype. Last evaluated: 2021-08-07. Review status: criteria provided, single submitter. Criteria: Ambry Variant Classification Scheme 2023. Collection method: clinical testing. Allele origin: germline.
Comment: The p.S3811A variant (also known as c.11431T>G), located in coding exon 2 of the ZNF469 gene, results from a T to G substitution at nucleotide position 11431. The serine at codon 3811 is replaced by alanine, an amino acid with similar properties. This amino acid position is conserved. In addition, this alteration is predicted to be tolerated by in silico analysis. Since supporting evidence is limited at this time, the clinical significance of this alteration remains unclear.

NM_001367624.2(ZNF469):c.11515T>G (p.Ser3839Ala)

Gene: ZNF469 (zinc finger protein 469; plus strand). Cytogenetic location: 16q24.2.
Variant type: single nucleotide variant.
Coding change: c.11515T>G on transcript NM_001367624.2 (MANE Select); coding-DNA position 11515, T replaced by G.
Protein change: p.Ser3839Ala; replaces serine 3839 with alanine.
Molecular consequence: missense variant.
Genome position (GRCh38, 1-based): chr16:88,438,985, T>G. VCF-style: chr16-88438985-T-G. GRCh37 (hg19) VCF-style: chr16-88505393-T-G.
Other names: NM_001127464.1:c.11431T>G; short protein forms S3839A.
Identifiers: ClinVar variation 1731729 (VCV001731729.2), dbSNP rs2142317865, ClinGen allele CA397130314.